The following is an entry in ClinVar:

ClinVar aggregate classification (germline): Likely benign. Review status: criteria provided, single submitter (1 of 4 stars). 2 submissions from 2 submitters: Likely benign (1). 1 of the submissions does not count toward it. Last evaluated 2026-01-14.

Conditions:
ITSN2-related disorder. Also called: ITSN2-related condition.

Allele frequency attached by ClinVar (database versions not stated): ExAC 0.00001; gnomAD exomes 0.00002; 1000 Genomes Project 0.00020; TOPMed 0.00024; ESP Exome Variant Server 0.00008; 1000 Genomes Project 30x 0.00016; gnomAD 0.00019.
gnomAD v4.1: 57 of 1,613,516 alleles (0.0035%); highest among the groups gnomAD compares: African/African-American, 0.068%; no homozygotes.

Submissions (2):

Labcorp Genetics (formerly Invitae), Labcorp
Classification: Likely benign. Last evaluated: 2026-01-14. Review status: criteria provided, single submitter. Criteria: Invitae Variant Classification Sherloc (09022015). Collection method: clinical testing. Allele origin: germline.

PreventionGenetics, part of Exact Sciences
Classification: Likely benign for ITSN2-related condition. Last evaluated: 2019-03-25. Review status: no assertion criteria provided. Collection method: clinical testing. Allele origin: germline. Not counted in ClinVar's aggregate classification.
Comment: This variant is classified as likely benign based on ACMG/AMP sequence variant interpretation guidelines (Richards et al. 2015 PMID: 25741868, with internal and published modifications).

NM_006277.3(ITSN2):c.3201T>C (p.Ser1067=)

Gene: ITSN2 (intersectin 2; minus strand). Cytogenetic location: 2p23.3.
Variant type: single nucleotide variant.
Coding change: c.3201T>C on transcript NM_006277.3 (MANE Select); coding-DNA position 3201, T replaced by C.
Protein change: p.Ser1067=; no amino-acid change (serine 1067 retained).
Molecular consequence: synonymous variant.
Genome position (GRCh38, 1-based): chr2:24,248,716, A>G on the plus strand (T>C on the coding strand, the complement: ITSN2 is on the minus strand). VCF-style: chr2-24248716-A-G. GRCh37 (hg19) VCF-style: chr2-24471585-A-G.
Other names: c.3159T>C, p.Ser1053= (NM_001348181.2); c.3081T>C, p.Ser1027= (NM_001348182.2, NM_001348186.2); c.3120T>C, p.Ser1040= (NM_001348183.2, NM_019595.4); c.3078T>C, p.Ser1026= (NM_001348184.2); c.3162T>C, p.Ser1054= (NM_001348185.2); c.3201T>C, p.Ser1067= (NM_147152.3).
Identifiers: ClinVar variation 3058534 (VCV003058534.4), dbSNP rs137994569, ClinGen allele CA1550971.